The following is an entry in ClinVar:

ClinVar aggregate classification (germline): Likely benign. Review status: criteria provided, multiple submitters, no conflicts (2 of 4 stars). 2 submissions from 2 submitters: Likely benign (2). Last evaluated 2024-02-24.

Allele frequency attached by ClinVar (database versions not stated): TOPMed 0.00001; ESP Exome Variant Server 0.00008.
gnomAD v4.1: 1 of 1,614,046 alleles (0.000062%); highest among the groups gnomAD compares: African/African-American, 0.0013%; no homozygotes.

Submissions (2):

Labcorp Genetics (formerly Invitae), Labcorp
Classification: Likely benign. Last evaluated: 2024-02-24. Review status: criteria provided, single submitter. Criteria: Invitae Variant Classification Sherloc (09022015). Collection method: clinical testing. Allele origin: germline.

Laboratory for Molecular Medicine, Mass General Brigham Personalized Medicine
Classification: Likely benign. Last evaluated: 2012-04-30. Review status: criteria provided, single submitter. Criteria: LMM Criteria. Collection method: clinical testing. Allele origin: germline. Observed: 1 variant allele.
Comment: Gly398Gly in Exon 08 of WFS1: This variant is not expected to have clinical sign ificance because it does not alter an amino acid residue, is not located within the splice consensus sequence, and has been identified in 1/3738 African America n chromosomes from a broad population by the NHLBI Exome Sequencing Project (dbSNP rs143633587).

NM_006005.3(WFS1):c.1194C>A (p.Gly398=)

Gene: WFS1 (wolframin ER transmembrane glycoprotein; plus strand). Cytogenetic location: 4p16.1.
Variant type: single nucleotide variant.
Coding change: c.1194C>A on transcript NM_006005.3 (MANE Select); coding-DNA position 1194, C replaced by A.
Protein change: p.Gly398=; no amino-acid change (glycine 398 retained).
Molecular consequence: synonymous variant.
Genome position (GRCh38, 1-based): chr4:6,300,989, C>A. VCF-style: chr4-6300989-C-A. GRCh37 (hg19) VCF-style: chr4-6302716-C-A.
Other names: c.1194C>A, p.Gly398= (NM_001145853.1).
Identifiers: ClinVar variation 228232 (VCV000228232.9), dbSNP rs143633587, ClinGen allele CA2839253.